The following is an entry in ClinVar:

ClinVar aggregate classification (germline): Conflicting classifications of pathogenicity. Review status: criteria provided, conflicting classifications (1 of 4 stars). 2 submissions from 2 submitters: Pathogenic (1); Uncertain significance (1). Last evaluated 2022-10-13.

Conditions:
POLD1-related polyposis and colorectal cancer syndrome (CRCS10). Also called: Colorectal cancer 10; COLORECTAL CANCER, SUSCEPTIBILITY TO, ON CHROMOSOME 19q; Colorectal cancer, susceptibility to, 10. Identifiers: Orphanet 220460, MedGen C2675481, MONDO:0012953, OMIM 612591.

Submissions (2):

Labcorp Genetics (formerly Invitae), Labcorp
Classification: Uncertain significance for POLD1-related polyposis and colorectal cancer syndrome. Last evaluated: 2022-10-13. Review status: criteria provided, single submitter. Criteria: Invitae Variant Classification Sherloc (09022015). Collection method: clinical testing. Allele origin: germline.
Comment: ClinVar contains an entry for this variant (Variation ID: 568163). In summary, the available evidence is currently insufficient to determine the role of this variant in disease. Therefore, it has been classified as a Variant of Uncertain Significance. Experimental studies are conflicting or provide insufficient evidence to determine the effect of this variant on POLD1 function (PMID: 23245697, 25217194). Advanced modeling of protein sequence and biophysical properties (such as structural, functional, and spatial information, amino acid conservation, physicochemical variation, residue mobility, and thermodynamic stability) performed at Invitae indicates that this missense variant is expected to disrupt POLD1 protein function. This missense change has been observed in individual(s) with colorectal polyps and colorectal cancer (Invitae). It has also been observed to segregate with disease in related individuals. This variant is not present in population databases (gnomAD no frequency). This sequence change replaces leucine, which is neutral and non-polar, with methionine, which is neutral and non-polar, at codon 606 of the POLD1 protein (p.Leu606Met).

Hereditary Cancer Clinic, Medical College of Georgia
Classification: Pathogenic for POLD1-related polyposis and colorectal cancer syndrome. Last evaluated: 2022-01-25. Review status: criteria provided, single submitter. Criteria: ACMG Guidelines, 2015. Collection method: clinical testing, in vitro. Allele origin: germline, not applicable. Inheritance: Autosomal dominant inheritance. Affected: yes. Observed: 3 variant alleles, 3 heterozygotes. Functional consequence: effect on protein activity.
Comment: PS2 De novo. (Yeast cell lines with same amino acid change show deleterious effect in base incorporation and polymerase-exonuclease switching rate.) PM1. Located in a mutational hot spot and/or critical and well-established. (Located in polymerase domain.) PM2. Variant not found in gnomAD exomes. PP1. Co-segregation with disease. PP3. Multiple lines of computational evidence support a deleterious effect. PP4. Patient’s phenotype or family history is highly specific. (Polyposis phenotype.)

Literature cited by the submitters: PubMed 23245697 (cited by Labcorp Genetics (formerly Invitae), Labcorp); PubMed 25217194 (cited by Labcorp Genetics (formerly Invitae), Labcorp); PubMed 17121822 (cited by Hereditary Cancer Clinic, Medical College of Georgia); PubMed 28368425 (cited by Hereditary Cancer Clinic, Medical College of Georgia); PubMed 25642631 (cited by Hereditary Cancer Clinic, Medical College of Georgia).

NM_002691.4(POLD1):c.1816C>A (p.Leu606Met)

Gene: POLD1 (DNA polymerase delta 1, catalytic subunit; plus strand). Cytogenetic location: 19q13.33.
Variant type: single nucleotide variant.
Coding change: c.1816C>A on transcript NM_002691.4 (MANE Select); coding-DNA position 1816, C replaced by A.
Protein change: p.Leu606Met; replaces leucine 606 with methionine.
Molecular consequence: missense variant. On other transcripts: non-coding transcript variant (1).
Genome position (GRCh38, 1-based): chr19:50,408,825, C>A. VCF-style: chr19-50408825-C-A. GRCh37 (hg19) VCF-style: chr19-50912082-C-A.
Other names: c.1816C>A, p.Leu606Met (NM_001256849.1); c.1894C>A, p.Leu632Met (NM_001308632.1); short protein forms L606M, L632M.
Identifiers: ClinVar variation 568163 (VCV000568163.20), dbSNP rs1568630225, ClinGen allele CA406982009.